The following is an entry in ClinVar:

NM_004548.3(NDUFB10):c.502G>A (p.Ala168Thr)

Gene: NDUFB10 (NADH:ubiquinone oxidoreductase subunit B10; plus strand). Cytogenetic location: 16p13.3.
Variant type: single nucleotide variant.
Coding change: c.502G>A on transcript NM_004548.3 (MANE Select); coding-DNA position 502, G replaced by A.
Protein change: p.Ala168Thr; replaces alanine 168 with threonine.
Molecular consequence: missense variant.
Genome position (GRCh38, 1-based): chr16:1,961,889, G>A. VCF-style: chr16-1961889-G-A. GRCh37 (hg19) VCF-style: chr16-2011890-G-A.
Other names: short protein forms A168T.
Identifiers: ClinVar variation 2351469 (VCV002351469.3), dbSNP rs145125673, ClinGen allele CA7823414.

ClinVar aggregate classification (germline): Uncertain significance. Review status: criteria provided, multiple submitters, no conflicts (2 of 4 stars). 2 submissions from 2 submitters: Uncertain significance (2). Last evaluated 2025-04-19.

Allele frequency attached by ClinVar (database versions not stated): gnomAD 0.00007; TOPMed 0.00007; gnomAD exomes 0.00005; ExAC 0.00022; ESP Exome Variant Server 0.00031.
gnomAD v4.1: 80 of 1,561,704 alleles (0.0051%); highest among the groups gnomAD compares: African/African-American, 0.018%; no homozygotes.

Submissions (2):

Labcorp Genetics (formerly Invitae), Labcorp
Classification: Uncertain significance. Last evaluated: 2025-04-19. Review status: criteria provided, single submitter. Criteria: Invitae Variant Classification Sherloc (09022015). Collection method: clinical testing. Allele origin: germline.
Comment: This sequence change replaces alanine, which is neutral and non-polar, with threonine, which is neutral and polar, at codon 168 of the NDUFB10 protein (p.Ala168Thr). The frequency data for this variant in the population databases is considered unreliable, as metrics indicate poor data quality at this position in the gnomAD database. This variant has not been reported in the literature in individuals affected with NDUFB10-related conditions. ClinVar contains an entry for this variant (Variation ID: 2351469). An algorithm developed to predict the effect of missense changes on protein structure and function outputs the following: PolyPhen-2: "Possibly Damaging". The threonine amino acid residue is found in multiple mammalian species, which suggests that this missense change does not adversely affect protein function. In summary, the available evidence is currently insufficient to determine the role of this variant in disease. Therefore, it has been classified as a Variant of Uncertain Significance.

Ambry Genetics
Classification: Uncertain significance. Last evaluated: 2021-09-01. Review status: criteria provided, single submitter. Criteria: Ambry Variant Classification Scheme 2023. Collection method: clinical testing. Allele origin: germline.